The following is an entry in ClinVar:

NM_152743.4(BRAT1):c.1396-10T>G

Gene: BRAT1 (BRCA1 associated ATM activator 1; minus strand). Cytogenetic location: 7p22.3.
Variant type: single nucleotide variant.
Coding change: c.1396-10T>G on transcript NM_152743.4 (MANE Select); 10 bases into the intron before coding-DNA position 1396, T replaced by G.
Molecular consequence: intron variant.
Genome position (GRCh38, 1-based): chr7:2,539,898, A>C on the plus strand (T>G on the coding strand, the complement: BRAT1 is on the minus strand). VCF-style: chr7-2539898-A-C. GRCh37 (hg19) VCF-style: chr7-2579532-A-C.
Other names: c.871-10T>G (NM_001350627.2); c.1396-10T>G (NM_001350626.2).
Identifiers: ClinVar variation 1023811 (VCV001023811.8), dbSNP rs1779013418, ClinGen allele CA1683199368.

ClinVar aggregate classification (germline): Uncertain significance (1 of 4 stars; one submission).

Conditions:
Neonatal-onset encephalopathy with rigidity and seizures. Also called: Lethal neonatal spasticity-epileptic encephalopathy syndrome. Identifiers: Orphanet 435845, MedGen C3281029, MONDO:0013784, OMIM 614498.

Submission:

Labcorp Genetics (formerly Invitae), Labcorp
Classification: Uncertain significance for Neonatal-onset encephalopathy with rigidity and seizures. Last evaluated: 2020-08-20. Review status: criteria provided, single submitter. Criteria: Invitae Variant Classification Sherloc (09022015). Collection method: clinical testing. Allele origin: germline.
Comment: Algorithms developed to predict the effect of sequence changes on RNA splicing suggest that this variant may disrupt the consensus splice site, but this prediction has not been confirmed by published transcriptional studies. In summary, the available evidence is currently insufficient to determine the role of this variant in disease. Therefore, it has been classified as a Variant of Uncertain Significance. This variant has been observed in individual(s) with clinical features of BRAT1-related conditions (Invitae). In at least one individual the data is consistent with the variant being in trans (on the opposite chromosome) from a pathogenic variant. This sequence change falls in intron 10 of the BRAT1 gene. It does not directly change the encoded amino acid sequence of the BRAT1 protein. This variant is not present in population databases (ExAC no frequency).